The following is an entry in ClinVar:

NM_000057.4(BLM):c.772C>G (p.Leu258Val)

Gene: BLM (BLM RecQ like helicase; plus strand). Cytogenetic location: 15q26.1.
Variant type: single nucleotide variant.
Coding change: c.772C>G on transcript NM_000057.4 (MANE Select); coding-DNA position 772, C replaced by G.
Protein change: p.Leu258Val; replaces leucine 258 with valine.
Molecular consequence: missense variant. On other transcripts: 5 prime UTR variant (1).
Genome position (GRCh38, 1-based): chr15:90,750,040, C>G. VCF-style: chr15-90750040-C-G. GRCh37 (hg19) VCF-style: chr15-91293270-C-G.
Other names: c.772C>G, p.Leu258Val (NM_001287246.2, NM_001287247.2); c.-520C>G (NM_001287248.2); short protein forms L258V.
Identifiers: ClinVar variation 3824439 (VCV003824439.2).
Genomic context (GRCh38, chr15:90,750,040, plus strand): 5'-ATCGATGATGGCCCCATTGCTGAAGTGCATATAAATGAAGATGCTCAGGAAAGTGACTCT[C>G]TGAAAACTCATTTGGAAGATGAAAGAGGTAACAATTATTTTATCTTCATTTTAGTATGTT-3'
Protein context (NP_000048.1, residues 248-268): INEDAQESDS[Leu258Val]KTHLEDERDN

ClinVar aggregate classification (germline): Uncertain significance. Review status: criteria provided, multiple submitters, no conflicts (2 of 4 stars). 2 submissions from 2 submitters: Uncertain significance (2). Last evaluated 2025-11-09.

Conditions:
Hereditary cancer-predisposing syndrome. Also called: Hereditary neoplastic syndrome; Neoplastic Syndromes, Hereditary; Tumor predisposition; Hereditary Cancer Syndrome. Identifiers: Orphanet 140162, MedGen C0027672, MeSH D009386, MONDO:0015356.
Bloom syndrome (BLM). Also called: Bloom-Torre-Machacek syndrome. Identifiers: Orphanet 125, MedGen C0005859, MONDO:0008876, OMIM 210900.

Submissions (2):

Labcorp Genetics (formerly Invitae), Labcorp
Classification: Uncertain significance for Bloom syndrome. Last evaluated: 2025-11-09. Review status: criteria provided, single submitter. Criteria: Invitae Variant Classification Sherloc (09022015). Collection method: clinical testing. Allele origin: germline.
Comment: This sequence change replaces leucine, which is neutral and non-polar, with valine, which is neutral and non-polar, at codon 258 of the BLM protein (p.Leu258Val). This variant is not present in population databases (gnomAD no frequency). This variant has not been reported in the literature in individuals affected with BLM-related conditions. ClinVar contains an entry for this variant (Variation ID: 3824439). An algorithm developed to predict the effect of missense changes on protein structure and function (PolyPhen-2) suggests that this variant is likely to be tolerated. In summary, the available evidence is currently insufficient to determine the role of this variant in disease. Therefore, it has been classified as a Variant of Uncertain Significance.

Ambry Genetics
Classification: Uncertain significance for Hereditary cancer-predisposing syndrome. Last evaluated: 2024-12-25. Review status: criteria provided, single submitter. Criteria: Ambry Variant Classification Scheme 2023. Collection method: clinical testing. Allele origin: germline.
Comment: The p.L258V variant (also known as c.772C>G), located in coding exon 2 of the BLM gene, results from a C to G substitution at nucleotide position 772. The leucine at codon 258 is replaced by valine, an amino acid with highly similar properties. This amino acid position is conserved. In addition, this alteration is predicted to be tolerated by in silico analysis. Based on the available evidence, the clinical significance of this variant remains unclear.